The following is an entry in ClinVar:

NM_000352.4(ABCC8):c.-215_-214del

Gene: ABCC8 (ATP binding cassette subfamily C member 8; minus strand). Cytogenetic location: 11p15.1.
Variant type: Deletion.
Coding change: c.-215_-214del on transcript NM_000352.4; 215 bases upstream of the start codon through 214 bases upstream of the start codon, 2 bases deleted (GC; older notation c.-215_-214delGC).
Genome position (GRCh38, 1-based): chr11:17,476,990-17,476,991, GC deleted on the plus strand (GC on the coding strand, the reverse complement: ABCC8 is on the minus strand). VCF-style (leftmost placement, unchanged base first): chr11-17476989-TGC-T. GRCh37 (hg19) VCF-style: chr11-17498536-TGC-T.
Identifiers: ClinVar variation 434038 (VCV000434038.8), dbSNP rs902564696, ClinGen allele CA218464374.

ClinVar aggregate classification (germline): Uncertain significance. Review status: criteria provided, multiple submitters, no conflicts (2 of 4 stars). 3 submissions from 2 submitters: Uncertain significance (3). Last evaluated 2015-12-18.

Conditions:
Maturity-onset diabetes of the young (MODY). Also called: Maturity onset diabetes mellitus in young. Identifiers: Orphanet 552, MedGen C0342276, MONDO:0018911, HP:0004904.
Transitory neonatal diabetes mellitus. Also called: Transient neonatal diabetes mellitus. Identifiers: MedGen C0342273, MONDO:0020525, HP:0008255.

Allele frequency attached by ClinVar (database versions not stated): gnomAD 0.00174 and 0.00185; 1000 Genomes Project 30x 0.00187; TOPMed 0.00204; gnomAD exomes 0.00031.

Submissions (3):

Genetic Services Laboratory, University of Chicago
Classification: Uncertain significance. Last evaluated: 2015-12-18. Review status: criteria provided, single submitter. Criteria: ACMG Guidelines, 2015. Collection method: clinical testing. Allele origin: germline. Affected: no.

Clinical Genomics, Uppaluri K&H Personalized Medicine Clinic
Classification: Uncertain significance for Transitory neonatal diabetes mellitus. Review status: criteria provided, single submitter. Criteria: K & H Uppaluri Personalized Medicine Clinic Variant Classification & Assertion Criteria_Updated V.1. Collection method: research. Allele origin: unknown. Inheritance: Somatic mutation.
Comment: Mutations in ABCC8 gene are associated with both neonatal diabetes mellitus as well as MODY. Patients with this mutation may have a better response to sulfonylureas. However, no sufficient evidence is found to ascertain the role of this particular variant ( rs902564696) in neonatal diabetes yet.

Clinical Genomics, Uppaluri K&H Personalized Medicine Clinic
Classification: Uncertain significance for Maturity-onset diabetes of the young. Review status: criteria provided, single submitter. Criteria: K & H Uppaluri Personalized Medicine Clinic Variant Classification & Assertion Criteria_Updated V.1. Collection method: research. Allele origin: unknown. Inheritance: Somatic mutation.
Comment: Mutations in ABCC8 gene are associated with both neonatal diabetes mellitus as well as MODY. Patients with this mutation may have a better response to sulfonylureas. However, no sufficient evidence is found to ascertain the role of this particular variant ( rs902564696) in MODY yet.

Literature cited by the submitters: PubMed 16885549 (cited by Clinical Genomics, Uppaluri K&H Personalized Medicine Clinic); PubMed 21989597 (cited by Clinical Genomics, Uppaluri K&H Personalized Medicine Clinic); PubMed 27538677 (cited by Clinical Genomics, Uppaluri K&H Personalized Medicine Clinic); PubMed 18981553 (cited by Clinical Genomics, Uppaluri K&H Personalized Medicine Clinic); PubMed 32027066 (cited by Clinical Genomics, Uppaluri K&H Personalized Medicine Clinic); PubMed 16613899 (cited by Clinical Genomics, Uppaluri K&H Personalized Medicine Clinic); PubMed 18025408 (cited by Clinical Genomics, Uppaluri K&H Personalized Medicine Clinic); PubMed 32792356 (cited by Clinical Genomics, Uppaluri K&H Personalized Medicine Clinic).